The following is an entry in ClinVar:

ClinVar aggregate classification (germline): Pathogenic (1 of 4 stars; one submission).

Conditions:
Renal cysts and diabetes syndrome (RCAD). Also called: MATURITY-ONSET DIABETES OF THE YOUNG, TYPE 5; Familial hypoplastic, glomerulocystic kidney. Identifiers: Orphanet 93111, MedGen C0431693, MONDO:0007669, OMIM 137920.

Submission:

MVZ Medizinische Genetik Mainz
Classification: Pathogenic for Renal cysts and diabetes syndrome. Last evaluated: 2022-02-10. Review status: criteria provided, single submitter. Criteria: UK Practice Guidelines For Variant Classification V4 01 2020. Collection method: clinical testing. Allele origin: germline. Inheritance: Autosomal dominant inheritance. Affected: yes. Observed: 1 variant allele.
Comment: ACMG Criteria: PVS1, PM2_SUP, PP4 Update: PM6

NM_000458.4(HNF1B):c.92_99dup (p.Leu34fs)

Gene: HNF1B (HNF1 homeobox B; minus strand). Cytogenetic location: 17q12.
Variant type: Duplication.
Coding change: c.92_99dup on transcript NM_000458.4 (MANE Select); coding-DNA positions 92 to 99, 8 bases duplicated (AGGAGTTG; older notation c.92_99dupAGGAGTTG).
Protein change: p.Leu34fs; shifts the reading frame from leucine 34.
Molecular consequence: frameshift variant.
Genome position (GRCh38, 1-based): chr17:37,744,786-37,744,793, CAACTCCT duplicated on the plus strand (AGGAGTTG on the coding strand, the reverse complement: HNF1B is on the minus strand); duplicating any 8 consecutive bases within chr17:37,744,786-37,744,794 gives the same sequence; the c. name uses the placement nearest the transcript's 3' end. VCF-style (leftmost placement, unchanged base first): chr17-37744785-G-GCAACTCCT. GRCh37 (hg19) VCF-style: chr17-36104776-G-GCAACTCCT.
Other names: c.92_99dup, p.Leu34fs (NM_001165923.4, NM_001304286.2, NM_001411100.1); short protein forms L34fs.
Identifiers: ClinVar variation 3235201 (VCV003235201.1), dbSNP rs2511852788.